The following is an entry in ClinVar:

ClinVar aggregate classification (germline): Uncertain significance (1 of 4 stars; one submission).

Submission:

Labcorp Genetics (formerly Invitae), Labcorp
Classification: Uncertain significance. Last evaluated: 2025-01-08. Review status: criteria provided, single submitter. Criteria: Invitae Variant Classification Sherloc (09022015). Collection method: clinical testing. Allele origin: germline.
Comment: This sequence change replaces phenylalanine, which is neutral and non-polar, with valine, which is neutral and non-polar, at codon 116 of the GPR45 protein (p.Phe116Val). This variant is not present in population databases (gnomAD no frequency). This variant has not been reported in the literature in individuals affected with GPR45-related conditions. An algorithm developed to predict the effect of missense changes on protein structure and function (PolyPhen-2) suggests that this variant is likely to be tolerated. In summary, the available evidence is currently insufficient to determine the role of this variant in disease. Therefore, it has been classified as a Variant of Uncertain Significance.

NM_007227.3(GPR45):c.346T>G (p.Phe116Val)

Gene: GPR45 (G protein-coupled receptor 45; plus strand). Cytogenetic location: 2q12.1.
Variant type: single nucleotide variant.
Coding change: c.346T>G on transcript NM_007227.3 (MANE Select); coding-DNA position 346, T replaced by G.
Protein change: p.Phe116Val; replaces phenylalanine 116 with valine.
Molecular consequence: missense variant.
Genome position (GRCh38, 1-based): chr2:105,242,204, T>G. VCF-style: chr2-105242204-T-G. GRCh37 (hg19) VCF-style: chr2-105858661-T-G.
Other names: short protein forms F116V.
Identifiers: ClinVar variation 3728754 (VCV003728754.2).